The following is an entry in ClinVar:

ClinVar aggregate classification (germline): Uncertain significance (1 of 4 stars; one submission).

Allele frequency attached by ClinVar (database versions not stated): gnomAD exomes below 0.00001.

Submission:

Labcorp Genetics (formerly Invitae), Labcorp
Classification: Uncertain significance. Last evaluated: 2021-12-24. Review status: criteria provided, single submitter. Criteria: Invitae Variant Classification Sherloc (09022015). Collection method: clinical testing. Allele origin: germline.
Comment: Advanced modeling of protein sequence and biophysical properties (such as structural, functional, and spatial information, amino acid conservation, physicochemical variation, residue mobility, and thermodynamic stability) performed at Invitae indicates that this missense variant is expected to disrupt SI protein function. In summary, the available evidence is currently insufficient to determine the role of this variant in disease. Therefore, it has been classified as a Variant of Uncertain Significance. This variant has not been reported in the literature in individuals affected with SI-related conditions. This sequence change replaces serine, which is neutral and polar, with asparagine, which is neutral and polar, at codon 583 of the SI protein (p.Ser583Asn). This variant is not present in population databases (gnomAD no frequency).

NM_001041.4(SI):c.1748G>A (p.Ser583Asn)

Gene: SI (sucrase-isomaltase; minus strand). Cytogenetic location: 3q26.1.
Variant type: single nucleotide variant.
Coding change: c.1748G>A on transcript NM_001041.4 (MANE Select); coding-DNA position 1748, G replaced by A.
Protein change: p.Ser583Asn; replaces serine 583 with asparagine.
Molecular consequence: missense variant.
Genome position (GRCh38, 1-based): chr3:165,046,980, C>T on the plus strand (G>A on the coding strand, the complement: SI is on the minus strand). VCF-style: chr3-165046980-C-T. GRCh37 (hg19) VCF-style: chr3-164764768-C-T.
Other names: short protein forms S583N.
Identifiers: ClinVar variation 1934739 (VCV001934739.5), dbSNP rs2473370521, ClinGen allele CA355052383.